The following is an entry in ClinVar:

ClinVar aggregate classification (germline): Pathogenic (1 of 4 stars; one submission).

Submission:

Labcorp Genetics (formerly Invitae), Labcorp
Classification: Pathogenic. Last evaluated: 2018-08-27. Review status: criteria provided, single submitter. Criteria: Invitae Variant Classification Sherloc (09022015). Collection method: clinical testing. Allele origin: germline.
Comment: A gross deletion of the genomic region encompassing the full coding sequence of the ALDH3A2 gene has been identified. The boundaries of this event are unknown as the deletion extends beyond the assayed region for this gene and therefore may encompass additional genes. Isolated whole-gene deletions of ALDH3A2 have not been reported in the literature. However, larger copy number events that include this gene have been reported in individuals withÂ¬â€ Sjorgen-Larsson syndrome (PMID: 21684788)Â¬â€ . Loss-of-function variants in ALDH3A2 are known to be pathogenic (PMID: 10577908, 10854114). For these reasons, this variant has been classified as Pathogenic.

Literature cited by the submitters: PubMed 21684788.

NC_000017.11:g.(?_19648962)_(19675582_?)del

Genes: ALDH3A2 (aldehyde dehydrogenase 3 family member A2; plus strand), LOC130060467 (ATAC-STARR-seq lymphoblastoid active region 11860; plus strand). Cytogenetic location: 17p11.2.
Variant type: Deletion.
Identifiers: ClinVar variation 662844 (VCV000662844.1).